The following is an entry in ClinVar:

NM_001365480.1(CCDC88A):c.1010A>C (p.His337Pro)

Gene: CCDC88A (coiled-coil and HOOK domain protein 88A; minus strand). Cytogenetic location: 2p16.1.
Variant type: single nucleotide variant.
Coding change: c.1010A>C on transcript NM_001365480.1 (MANE Select); coding-DNA position 1010, A replaced by C.
Protein change: p.His337Pro; replaces histidine 337 with proline.
Molecular consequence: missense variant.
Genome position (GRCh38, 1-based): chr2:55,346,206, T>G on the plus strand (A>C on the coding strand, the complement: CCDC88A is on the minus strand). VCF-style: chr2-55346206-T-G. GRCh37 (hg19) VCF-style: chr2-55573342-T-G.
Other names: c.1010A>C, p.His337Pro (NM_001135597.2, NM_001254943.2, NM_018084.5); short protein forms H337P.
Identifiers: ClinVar variation 1490859 (VCV001490859.8), dbSNP rs763003935, ClinGen allele CA1666240.

ClinVar aggregate classification (germline): Uncertain significance (1 of 4 stars; one submission).

Allele frequency attached by ClinVar (database versions not stated): gnomAD exomes below 0.00001; ExAC 0.00001.
gnomAD v4.1: 4 of 1,609,916 alleles (0.00025%); highest among the groups gnomAD compares: South Asian, 0.0022%; no homozygotes.

Submission:

Labcorp Genetics (formerly Invitae), Labcorp
Classification: Uncertain significance. Last evaluated: 2022-08-23. Review status: criteria provided, single submitter. Criteria: Invitae Variant Classification Sherloc (09022015). Collection method: clinical testing. Allele origin: germline.
Comment: This sequence change replaces histidine, which is basic and polar, with proline, which is neutral and non-polar, at codon 337 of the CCDC88A protein (p.His337Pro). This variant is present in population databases (rs763003935, gnomAD 0.003%). This variant has not been reported in the literature in individuals affected with CCDC88A-related conditions. ClinVar contains an entry for this variant (Variation ID: 1490859). Algorithms developed to predict the effect of missense changes on protein structure and function (SIFT, PolyPhen-2, Align-GVGD) all suggest that this variant is likely to be tolerated. In summary, the available evidence is currently insufficient to determine the role of this variant in disease. Therefore, it has been classified as a Variant of Uncertain Significance.